The following is an entry in ClinVar:

NM_000318.3(PEX2):c.635A>G (p.Asn212Ser)

Gene: PEX2 (peroxisomal biogenesis factor 2; minus strand). Cytogenetic location: 8q21.13.
Variant type: single nucleotide variant.
Coding change: c.635A>G on transcript NM_000318.3 (MANE Select); coding-DNA position 635, A replaced by G.
Protein change: p.Asn212Ser; replaces asparagine 212 with serine.
Molecular consequence: missense variant.
Genome position (GRCh38, 1-based): chr8:76,983,544, T>C on the plus strand (A>G on the coding strand, the complement: PEX2 is on the minus strand). VCF-style: chr8-76983544-T-C. GRCh37 (hg19) VCF-style: chr8-77895780-T-C.
Other names: c.635A>G, p.Asn212Ser (NM_001079867.2, NM_001172086.2, NM_001172087.2); c.635A>G (NM_000318.2); short protein forms N212S.
Identifiers: ClinVar variation 1414749 (VCV001414749.5), dbSNP rs764386648, ClinGen allele CA4788675.

ClinVar aggregate classification (germline): Conflicting classifications of pathogenicity. Review status: criteria provided, conflicting classifications (1 of 4 stars). 2 submissions from 2 submitters: Uncertain significance (1); Likely benign (1). Last evaluated 2025-01-20.

Conditions:
Peroxisome biogenesis disorder 5A (Zellweger) (PBD5A). Identifiers: Orphanet 912, MedGen C3553940, MONDO:0013932, OMIM 614866.
Inborn genetic diseases. Identifiers: MedGen C0950123, MeSH D030342.

Allele frequency attached by ClinVar (database versions not stated): gnomAD 0.00001; ExAC 0.00002; gnomAD exomes 0.00002; TOPMed 0.00002.

Submissions (2):

Labcorp Genetics (formerly Invitae), Labcorp
Classification: Uncertain significance for Peroxisome biogenesis disorder 5A (Zellweger). Last evaluated: 2025-01-20. Review status: criteria provided, single submitter. Criteria: Invitae Variant Classification Sherloc (09022015). Collection method: clinical testing. Allele origin: germline.
Comment: This sequence change replaces asparagine, which is neutral and polar, with serine, which is neutral and polar, at codon 212 of the PEX2 protein (p.Asn212Ser). This variant is present in population databases (rs764386648, gnomAD 0.006%). This variant has not been reported in the literature in individuals affected with PEX2-related conditions. ClinVar contains an entry for this variant (Variation ID: 1414749). Invitae Evidence Modeling of protein sequence and biophysical properties (such as structural, functional, and spatial information, amino acid conservation, physicochemical variation, residue mobility, and thermodynamic stability) indicates that this missense variant is not expected to disrupt PEX2 protein function with a negative predictive value of 80%. Algorithms developed to predict the effect of sequence changes on RNA splicing suggest that this variant may create or strengthen a splice site. In summary, the available evidence is currently insufficient to determine the role of this variant in disease. Therefore, it has been classified as a Variant of Uncertain Significance.

Ambry Genetics
Classification: Likely benign for Inborn genetic diseases. Last evaluated: 2023-04-05. Review status: criteria provided, single submitter. Criteria: Ambry Variant Classification Scheme 2023. Collection method: clinical testing. Allele origin: germline.